The following is an entry in ClinVar:

ClinVar aggregate classification (germline): Uncertain significance (1 of 4 stars; one submission).

Allele frequency attached by ClinVar (database versions not stated): gnomAD exomes below 0.00001; gnomAD 0.00001.
gnomAD v4.1: 2 of 1,611,244 alleles (0.00012%); highest among the groups gnomAD compares: Non-Finnish European, 0.000085%; no homozygotes.

Submission:

Ambry Genetics
Classification: Uncertain significance. Last evaluated: 2023-12-30. Review status: criteria provided, single submitter. Criteria: Ambry Variant Classification Scheme 2023. Collection method: clinical testing. Allele origin: germline.
Comment: The p.I471S variant (also known as c.1412T>G), located in coding exon 9 of the POLQ gene, results from a T to G substitution at nucleotide position 1412. The isoleucine at codon 471 is replaced by serine, an amino acid with dissimilar properties. This amino acid position is conserved. In addition, this alteration is predicted to be tolerated by in silico analysis. Since supporting evidence is limited at this time, the clinical significance of this alteration remains unclear.

NM_199420.4(POLQ):c.1412T>G (p.Ile471Ser)

Gene: POLQ (DNA polymerase theta; minus strand). Cytogenetic location: 3q13.33.
Variant type: single nucleotide variant.
Coding change: c.1412T>G on transcript NM_199420.4 (MANE Select); coding-DNA position 1412, T replaced by G.
Protein change: p.Ile471Ser; replaces isoleucine 471 with serine.
Molecular consequence: missense variant.
Genome position (GRCh38, 1-based): chr3:121,519,927, A>C on the plus strand (T>G on the coding strand, the complement: POLQ is on the minus strand). VCF-style: chr3-121519927-A-C. GRCh37 (hg19) VCF-style: chr3-121238774-A-C.
Other names: short protein forms I471S.
Identifiers: ClinVar variation 3229832 (VCV003229832.1), dbSNP rs1330931639, ClinGen allele CA354119114.